The following is an entry in ClinVar:

ClinVar aggregate classification (germline): Uncertain significance (1 of 4 stars; one submission).

Conditions:
VPS13B-related disorder. Also called: VPS13B-related condition.

gnomAD v4.1: 1 of 1,613,130 alleles (0.000062%); highest among the groups gnomAD compares: African/African-American, 0.0013%; no homozygotes.

Submission:

PreventionGenetics, part of Exact Sciences
Classification: Uncertain significance for VPS13B-related condition. Last evaluated: 2025-02-07. Review status: criteria provided, single submitter. Criteria: ACMG Guidelines, 2015. Collection method: clinical testing. Allele origin: germline.
Comment: The VPS13B c.10868-8C>A variant is predicted to interfere with splicing. To our knowledge, this variant has not been reported in the literature or in a large population database (gnomAD), indicating this variant is rare. At this time, the clinical significance of this variant is uncertain due to the absence of conclusive functional and genetic evidence.

NM_152564.5(VPS13B):c.10868-8C>A

Gene: VPS13B (vacuolar protein sorting 13 homolog B; plus strand). Cytogenetic location: 8q22.2.
Variant type: single nucleotide variant.
Coding change: c.10868-8C>A on transcript NM_152564.5 (MANE Select); 8 bases into the intron before coding-DNA position 10868, C replaced by A.
Molecular consequence: intron variant.
Genome position (GRCh38, 1-based): chr8:99,859,296, C>A. VCF-style: chr8-99859296-C-A. GRCh37 (hg19) VCF-style: chr8-100871524-C-A.
Other names: c.10943-8C>A (NM_017890.5).
Identifiers: ClinVar variation 4999084 (VCV004999084.1).